The following is an entry in ClinVar:

NM_004369.4(COL6A3):c.2206G>A (p.Gly736Ser)

Gene: COL6A3 (collagen type VI alpha 3 chain; minus strand). Cytogenetic location: 2q37.3.
Variant type: single nucleotide variant.
Coding change: c.2206G>A on transcript NM_004369.4 (MANE Select); coding-DNA position 2206, G replaced by A.
Protein change: p.Gly736Ser; replaces glycine 736 with serine.
Molecular consequence: missense variant. On other transcripts: intron variant (1).
Genome position (GRCh38, 1-based): chr2:237,378,927, C>T on the plus strand (G>A on the coding strand, the complement: COL6A3 is on the minus strand). VCF-style: chr2-237378927-C-T. GRCh37 (hg19) VCF-style: chr2-238287570-C-T.
Other names: p.Gly736Ser; c.985G>A, p.Gly329Ser (NM_057164.5); c.1588G>A, p.Gly530Ser (NM_057165.5, NM_057167.4); c.677-1583G>A (NM_057166.5); short protein forms G736S, G329S, G530S.
Identifiers: ClinVar variation 476508 (VCV000476508.18), dbSNP rs150008830, ClinGen allele CA2189456.
Genomic context (GRCh38, chr2:237,378,927, plus strand): 5'-CAGACTGCCCAGCTGTGAGCAGAAGCAGGAGCTGCGGCACGTGTTCACGGATCCTGCTGC[C>T]GCCAGCTTCCGTGAAGTGGTTGGCATAGACATAGCTTAGGGCTGAGCCTGTGTTCAGGCC-3'
Protein context (NP_004360.2, residues 726-746): VYANHFTEAG[Gly736Ser]SRIREHVPQL

ClinVar aggregate classification (germline): Conflicting classifications of pathogenicity. Review status: criteria provided, conflicting classifications (1 of 4 stars). 5 submissions from 5 submitters: Uncertain significance (4); Likely benign (1). Last evaluated 2025-12-30.

Conditions:
Collagen 6-related myopathy. Identifiers: MedGen CN117976, MONDO:0100225.
Bethlem myopathy 1A. Also called: Bethlem Muscular Dystrophy; MYOPATHY, BENIGN CONGENITAL, WITH CONTRACTURES; Bethlem myopathy 1. Identifiers: Orphanet 610, MedGen CN029274, MONDO:0024530, OMIM 158810.

Allele frequency attached by ClinVar (database versions not stated): gnomAD exomes 0.00003 and 0.00004; ExAC 0.00006; TOPMed 0.00008; ESP Exome Variant Server 0.00015.
gnomAD v4.1: 47 of 1,614,170 alleles (0.0029%); highest among the groups gnomAD compares: Middle Eastern, 0.16%; no homozygotes.

Submissions (5):

Labcorp Genetics (formerly Invitae), Labcorp
Classification: Likely benign for Bethlem myopathy 1A. Last evaluated: 2025-12-30. Review status: criteria provided, single submitter. Criteria: Invitae Variant Classification Sherloc (09022015). Collection method: clinical testing. Allele origin: germline.

Women's Health and Genetics/Laboratory Corporation of America, LabCorp
Classification: Uncertain significance. Last evaluated: 2024-04-04. Review status: criteria provided, single submitter. Criteria: LabCorp Variant Classification Summary - May 2015. Collection method: clinical testing. Allele origin: germline.
Comment: Variant summary: COL6A3 c.2206G>A (p.Gly736Ser) results in a non-conservative amino acid change located in the von Willebrand factor, type A (IPR002035) of the encoded protein sequence. Five of five in-silico tools predict a damaging effect of the variant on protein function. The variant allele was found at a frequency of 4.4e-05 in 251336 control chromosomes. This frequency does not allow conclusion about variant significance. To our knowledge, no occurrence of c.2206G>A in individuals affected with Ullrich Congenital Muscular Dystrophy 1 and no experimental evidence demonstrating its impact on protein function have been reported. ClinVar contains an entry for this variant (Variation ID: 476508). Based on the evidence outlined above, the variant was classified as uncertain significance.

Illumina Laboratory Services, Illumina
Classification: Uncertain significance for Collagen 6-related myopathy. Last evaluated: 2023-02-01. Review status: criteria provided, single submitter. Criteria: ICSLVariantClassificationCriteria RUGD 01 April 2020. Collection method: clinical testing. Allele origin: unknown.
Comment: The COL6A3 c.2206G>A, (p.Gly736Ser) missense variant results in the substitution of glycine at amino acid position 736 with serine. To our knowledge, this variant has not been reported in the peer-reviewed literature. It is reported in the Genome Aggregation Database at a frequency of 0.0001960 in the South Asian population (version 2.1.1). This variant is not located within the gly-x-y motif of the triple helical collagen domain, where the majority of pathogenic variants are found. In addition, the in silico predictions on pathogenicity of this variant are conflicting. Based on the available evidence, the c.2206G>A (p.Gly736Ser) variant is classified as a variant of uncertain significance for autosomal recessive collagen 6-related myopathy.

Mayo Clinic Laboratories, Mayo Clinic
Classification: Uncertain significance. Last evaluated: 2021-10-08. Review status: criteria provided, single submitter. Criteria: ACMG Guidelines, 2015. Collection method: clinical testing. Allele origin: germline.

Eurofins Ntd Llc (ga)
Classification: Uncertain significance. Last evaluated: 2018-04-04. Review status: criteria provided, single submitter. Criteria: EGL ClinVar v180209 classification definitions. Collection method: clinical testing. Allele origin: germline. Observed: 1 variant allele, 1 heterozygote.